The following is an entry in ClinVar:

ClinVar aggregate classification (germline): Uncertain significance (0 of 4 stars; one submission).

Conditions:
RPGRIP1L-related disorder. Also called: RPGRIP1L-related condition; RPGRIP1L-related disorders. Identifiers: MedGen CN239416.

Submission:

PreventionGenetics, part of Exact Sciences
Classification: Uncertain significance for RPGRIP1L-related condition. Last evaluated: 2024-05-22. Review status: no assertion criteria provided. Collection method: clinical testing. Allele origin: germline.
Comment: The RPGRIP1L c.3254A>T variant is predicted to result in the amino acid substitution p.Asp1085Val. To our knowledge, this variant has not been reported in the literature or in a large population database, indicating this variant is rare. At this time, the clinical significance of this variant is uncertain due to the absence of conclusive functional and genetic evidence.

NM_015272.5(RPGRIP1L):c.3254A>T (p.Asp1085Val)

Gene: RPGRIP1L (RPGRIP1 like; minus strand). Cytogenetic location: 16q12.2.
Variant type: single nucleotide variant.
Coding change: c.3254A>T on transcript NM_015272.5 (MANE Select); coding-DNA position 3254, A replaced by T.
Protein change: p.Asp1085Val; replaces aspartic acid 1085 with valine.
Molecular consequence: missense variant.
Genome position (GRCh38, 1-based): chr16:53,636,479, T>A on the plus strand (A>T on the coding strand, the complement: RPGRIP1L is on the minus strand). VCF-style: chr16-53636479-T-A. GRCh37 (hg19) VCF-style: chr16-53670391-T-A.
Other names: c.3152A>T, p.Asp1051Val (NM_001127897.4, NM_001330538.2); c.3254A>T, p.Asp1085Val (NM_001308334.3); short protein forms D1051V, D1085V.
Identifiers: ClinVar variation 3356344 (VCV003356344.1).
Genomic context (GRCh38, chr16:53,636,479, plus strand): 5'-GTTGGCATCAAGTTACTGACCTGTTTGATATTCTTGGAGATAGGACCTGGAATAATACAG[T>A]CATCACTGTCAGAAGCTGACATGTCCTCTTCAACTGTTTAAAAAATAAAAGGGTAACATT-3'
Protein context (NP_056087.2, residues 1075-1095): EEDMSASDSD[Asp1085Val]CIIPGPISKN